The following is an entry in ClinVar:

NM_001330360.2(POLA1):c.979G>A (p.Glu327Lys)

Gene: POLA1 (DNA polymerase alpha 1, catalytic subunit; plus strand). Cytogenetic location: Xp22.11.
Variant type: single nucleotide variant.
Coding change: c.979G>A on transcript NM_001330360.2 (MANE Select); coding-DNA position 979, G replaced by A.
Protein change: p.Glu327Lys; replaces glutamic acid 327 with lysine.
Molecular consequence: missense variant. On other transcripts: non-coding transcript variant (2).
Genome position (GRCh38, 1-based): chrX:24,717,650, G>A. VCF-style: chrX-24717650-G-A. GRCh37 (hg19) VCF-style: chrX-24735767-G-A.
Other names: c.979G>A, p.Glu327Lys (NM_001378303.1, NM_001440806.1); c.961G>A, p.Glu321Lys (NM_016937.4); short protein forms E321K, E327K.
Identifiers: ClinVar variation 4279858 (VCV004279858.1).

ClinVar aggregate classification (germline): Uncertain significance (1 of 4 stars; one submission).

Conditions:
X-linked intellectual disability, van Esch type. Also called: Van Esch-O'Driscoll syndrome; MENTAL RETARDATION, X-LINKED, SYNDROMIC, VAN ESCH-O''DRISCOLL TYPE. Identifiers: Orphanet 163976, MedGen C4305072, MONDO:0015601, OMIM 301030.

Submission:

Clinical Genomics Laboratory, Washington University in St. Louis
Classification: Uncertain significance for X-linked intellectual disability, van Esch type. Last evaluated: 2025-07-03. Review status: criteria provided, single submitter. Criteria: ACMG Guidelines, 2015. Collection method: clinical testing. Allele origin: germline.
Comment: The POLA1 c.979G>A (p.Glu327Lys) variant, to our knowledge, has not been reported in the medical literature and the variant is absent from the general population (gnomAD v.4.1.0), indicating it is not a common variant. Computational predictors suggest that the variant does not impact POLA1 function. Due to limited information, the clinical significance of this variant is uncertain.